The following is an entry in ClinVar:

ClinVar aggregate classification (germline): Likely benign. Review status: criteria provided, single submitter (1 of 4 stars). 2 submissions from 2 submitters: Likely benign (1). 1 of the submissions does not count toward it. Last evaluated 2025-09-10.

Conditions:
OTOG-related disorder. Also called: OTOG-related condition.

Allele frequency attached by ClinVar (database versions not stated): TOPMed 0.00003; ExAC 0.00007; gnomAD 0.00009; 1000 Genomes Project 0.00040; 1000 Genomes Project 30x 0.00047.
gnomAD v4.1: 30 of 1,550,132 alleles (0.0019%); highest among the groups gnomAD compares: Admixed American, 0.012%; no homozygotes.

Submissions (2):

Labcorp Genetics (formerly Invitae), Labcorp
Classification: Likely benign. Last evaluated: 2025-09-10. Review status: criteria provided, single submitter. Criteria: Invitae Variant Classification Sherloc (09022015). Collection method: clinical testing. Allele origin: germline.

PreventionGenetics, part of Exact Sciences
Classification: Likely benign for OTOG-related condition. Last evaluated: 2020-01-03. Review status: no assertion criteria provided. Collection method: clinical testing. Allele origin: germline. Not counted in ClinVar's aggregate classification.
Comment: This variant is classified as likely benign based on ACMG/AMP sequence variant interpretation guidelines (Richards et al. 2015 PMID: 25741868, with internal and published modifications).

NM_001292063.2(OTOG):c.8346G>A (p.Thr2782=)

Gene: OTOG (otogelin; plus strand). Cytogenetic location: 11p15.1.
Variant type: single nucleotide variant.
Coding change: c.8346G>A on transcript NM_001292063.2 (MANE Select); coding-DNA position 8346, G replaced by A.
Protein change: p.Thr2782=; no amino-acid change (threonine 2782 retained).
Molecular consequence: synonymous variant.
Genome position (GRCh38, 1-based): chr11:17,642,177, G>A. VCF-style: chr11-17642177-G-A. GRCh37 (hg19) VCF-style: chr11-17663724-G-A.
Other names: c.8382G>A, p.Thr2794= (NM_001277269.2).
Identifiers: ClinVar variation 3040277 (VCV003040277.3), dbSNP rs555007399, ClinGen allele CA5906278.